The following is an entry in ClinVar:

NM_000338.3(SLC12A1):c.2030T>A (p.Val677Glu)

Gene: SLC12A1 (solute carrier family 12 member 1; plus strand). Cytogenetic location: 15q21.1.
Variant type: single nucleotide variant.
Coding change: c.2030T>A on transcript NM_000338.3 (MANE Select); coding-DNA position 2030, T replaced by A.
Protein change: p.Val677Glu; replaces valine 677 with glutamic acid.
Molecular consequence: missense variant.
Genome position (GRCh38, 1-based): chr15:48,255,898, T>A. VCF-style: chr15-48255898-T-A. GRCh37 (hg19) VCF-style: chr15-48548095-T-A.
Other names: c.2030T>A, p.Val677Glu (NM_001184832.2, NM_001384136.1); short protein forms V677E.
Identifiers: ClinVar variation 4292778 (VCV004292778.1).

ClinVar aggregate classification (germline): Uncertain significance (1 of 4 stars; one submission).

Conditions:
Bartter disease type 1. Also called: HYPERPROSTAGLANDIN E SYNDROME 1; Bartter Syndrome type 1; Bartter syndrome, type 1, antenatal; HYPOKALEMIC ALKALOSIS WITH HYPERCALCIURIA 1, ANTENATAL. Identifiers: Orphanet 112, Orphanet 620217, MedGen C1866495, MONDO:0100344, OMIM 601678, MONDO:0011127.

Submission:

3billion
Classification: Uncertain significance for Bartter disease type 1. Last evaluated: 2024-06-14. Review status: criteria provided, single submitter. Criteria: ACMG Guidelines, 2015. Collection method: clinical testing. Allele origin: germline. Affected: yes.
Comment: The variant is not observed in the gnomAD v4.0.0 dataset. Predicted Consequence/Location: The majority of the known disease-causing variants of this gene are variants expected to result in premature termination of the protein. In silico tool predictions suggest damaging effect of the variant on gene or gene product [REVEL: 0.96 (>=0.6, sensitivity 0.68 and specificity 0.92); 3Cnet: 0.79 (>=0.6, sensitivity 0.72 and precision 0.9)]. Therefore, this variant is classified as VUS according to the recommendation of ACMG/AMP guideline.